The following is an entry in ClinVar:

NM_000059.4(BRCA2):c.5327dup (p.Leu1776fs)

Gene: BRCA2 (BRCA2 DNA repair associated; plus strand). Cytogenetic location: 13q13.1.
Variant type: Duplication.
Coding change: c.5327dup on transcript NM_000059.4 (MANE Select); coding-DNA position 5327, one base duplicated (T; older notation c.5327dupT).
Protein change: p.Leu1776fs; shifts the reading frame from leucine 1776.
Molecular consequence: frameshift variant.
Genome position (GRCh38, 1-based): chr13:32,339,682, T duplicated; the last of 2 consecutive T bases (chr13:32,339,681-32,339,682); duplicating either gives the same sequence. VCF-style (leftmost placement, unchanged base first): chr13-32339680-A-AT. GRCh37 (hg19) VCF-style: chr13-32913817-A-AT.
Other names: c.5327dupT (NM_000059.3); short protein forms L1776fs.
Identifiers: ClinVar variation 548408 (VCV000548408.1), dbSNP rs1555284173, ClinGen allele CA658823647.
Genomic context (GRCh38, chr13:32,339,680, plus strand): 5'-GGTATATAATGATTCAGGATATCTCTCAAAAAATAAACTTGATTCTGGTATTGAGCCAGT[A>AT]TTGAAGAATGTTGAAGATCAAAAAAACACTAGTTTTTCCAAAGTAATATCCAATGTAAAA-3'

ClinVar aggregate classification (germline): Pathogenic (3 of 4 stars; one submission).

Conditions:
Breast-ovarian cancer, familial, susceptibility to, 2 (BROVCA2). Also called: BRCA2 Hereditary Breast and Ovarian Cancer. Identifiers: Orphanet 145, MedGen C2675520, MONDO:0012933, OMIM 612555. Disease mechanism: loss of function.

Submission:

Evidence-based Network for the Interpretation of Germline Mutant Alleles (ENIGMA)
Classification: Pathogenic for Breast-ovarian cancer, familial, susceptibility to, 2. Last evaluated: 2017-12-15. Review status: reviewed by expert panel. Criteria: ENIGMA BRCA1/2 Classification Criteria (2017-06-29). Collection method: curation. Allele origin: germline. Study: ENIGMA.
Comment: Variant allele predicted to encode a truncated non-functional protein.